The following is an entry in ClinVar:

NM_025114.4(CEP290):c.-8_2del (p.Met1fs)

Gene: CEP290 (centrosomal protein 290; minus strand). Cytogenetic location: 12q21.32.
Variant type: Deletion.
Coding change: c.-8_2del on transcript NM_025114.4 (MANE Select); 8 bases upstream of the start codon through coding-DNA position 2, 10 bases deleted (AATTCAAGAT; older notation c.-8_2delAATTCAAGAT).
Protein change: p.Met1fs; shifts the reading frame from methionine 1.
Molecular consequence: frameshift variant, initiator codon variant.
Genome position (GRCh38, 1-based): chr12:88,141,306-88,141,315, ATCTTGAATT deleted on the plus strand (AATTCAAGAT on the coding strand, the reverse complement: CEP290 is on the minus strand). VCF-style (leftmost placement, unchanged base first): chr12-88141305-CATCTTGAATT-C. GRCh37 (hg19) VCF-style: chr12-88535082-CATCTTGAATT-C.
Other names: short protein forms M1fs.
Identifiers: ClinVar variation 853857 (VCV000853857.11), dbSNP rs2040644607, ClinGen allele CA916083323.

ClinVar aggregate classification (germline): Pathogenic (1 of 4 stars; one submission).

Conditions:
Meckel-Gruber syndrome. Also called: DYSENCEPHALIA SPLANCHNOCYSTICA; GRUBER SYNDROME; Dysencephalia splachnocystica. Identifiers: Orphanet 564, MedGen C0265215, MONDO:0018921.
Nephronophthisis. Also called: Juvenile Nephronophthisis. Identifiers: Orphanet 655, MedGen C0687120, MONDO:0019005, HP:0000090.
Joubert syndrome. Also called: CEREBELLOPARENCHYMAL DISORDER IV; JOUBERT-BOLTSHAUSER SYNDROME; Familial aplasia of the vermis. Identifiers: Orphanet 475, MedGen C5979921, MONDO:0018772.

Submission:

Labcorp Genetics (formerly Invitae), Labcorp
Classification: Pathogenic for Joubert syndrome; Meckel-Gruber syndrome; Nephronophthisis. Last evaluated: 2019-03-22. Review status: criteria provided, single submitter. Criteria: Invitae Variant Classification Sherloc (09022015). Collection method: clinical testing. Allele origin: germline.
Comment: If the downstream in-frame methionine at codon 11 is utilized for translation initiation, this variant would be expected to disrupt the p.Trp7 amino acid residue in CEP290. Other variant(s) that disrupt this residue (p.Trp7Cys) have been determined to be pathogenic (PMID: 16682970, 27422788). This suggests that this residue is clinically significant, and that variants that disrupt this residue are likely to be disease-causing. For these reasons, this variant has been classified as Pathogenic. Disruption of the initiator codon has been observed in individuals with Leber congenital amaurosis (PMID: 17345604, 17617513) and Senior-Løken syndrome (PMID: 21866095). This variant is not present in population databases (ExAC no frequency). This sequence change affects the initiator methionine of the CEP290 mRNA. The next in-frame methionine is located at codon 11.

Literature cited by the submitters: PubMed 16682970; PubMed 27422788; PubMed 17345604; PubMed 17617513; PubMed 21866095.